The following is an entry in ClinVar:

ClinVar aggregate classification (germline): Likely benign (1 of 4 stars; one submission).

Submission:

CeGaT Center for Human Genetics Tuebingen
Classification: Likely benign. Last evaluated: 2025-09-01. Review status: criteria provided, single submitter. Criteria: CeGaT Center For Human Genetics Tuebingen Variant Classification Criteria Version 2. Collection method: clinical testing. Allele origin: germline. Affected: yes. Observed: 1 variant allele.
Comment: PRB2: BP4, BP7

NM_006248.4(PRB2):c.825A>G (p.Gln275=)

Gene: PRB2 (proline rich protein BstNI subfamily 2). Cytogenetic location: 12p13.2.
Variant type: single nucleotide variant.
Coding change: c.825A>G on transcript NM_006248.4 (MANE Select); coding-DNA position 825, A replaced by G.
Protein change: p.Gln275=; no amino-acid change (glutamine 275 retained).
Molecular consequence: synonymous variant.
Genome position (GRCh38, 1-based): chr12:11,393,253, T>C on the plus strand (A>G on the coding strand, the complement: PRB2 is on the minus strand). VCF-style: chr12-11393253-T-C. GRCh37 (hg19) VCF-style: chr12-11546187-T-C.
Identifiers: ClinVar variation 4280880 (VCV004280880.7).
Genomic context (GRCh38, chr12:11,393,253, plus strand): 5'-TCGGGACTTGCTGCCTCCTTGTGGGGGTGGTCCTTGTGGCTTTCCTGGAGGTGGGGGACC[T>C]TGAGGTTTGTTGCCTCCTTGTGGGGGTGGTCCTTGTGGCTTTCCTGGAGGAGGTGGGGGA-3'
Protein context (NP_006239.3, residues 265-285): GPPPQGGNKP[Gln275=]GPPPPGKPQG